The following is an entry in ClinVar:

ClinVar aggregate classification (germline): Benign (0 of 4 stars; one submission).

Conditions:
INTS8-related disorder. Also called: INTS8-related condition.

Allele frequency attached by ClinVar (database versions not stated): gnomAD exomes 0.00035; ExAC 0.00102; 1000 Genomes Project 0.00260; 1000 Genomes Project 30x 0.00281; gnomAD 0.00404; ESP Exome Variant Server 0.00454; TOPMed 0.00458.
gnomAD v4.1: 1,133 of 1,607,838 alleles (0.07%); highest among the groups gnomAD compares: African/African-American, 1.4%; 6 homozygotes.

Submission:

PreventionGenetics, part of Exact Sciences
Classification: Benign for INTS8-related condition. Last evaluated: 2019-11-20. Review status: no assertion criteria provided. Collection method: clinical testing. Allele origin: germline.
Comment: This variant is classified as benign based on ACMG/AMP sequence variant interpretation guidelines (Richards et al. 2015 PMID: 25741868, with internal and published modifications).

NM_017864.4(INTS8):c.2077-8T>C

Gene: INTS8 (integrator complex subunit 8; plus strand). Cytogenetic location: 8q22.1.
Variant type: single nucleotide variant.
Coding change: c.2077-8T>C on transcript NM_017864.4 (MANE Select); 8 bases into the intron before coding-DNA position 2077, T replaced by C.
Molecular consequence: intron variant.
Genome position (GRCh38, 1-based): chr8:94,865,498, T>C. VCF-style: chr8-94865498-T-C. GRCh37 (hg19) VCF-style: chr8-95877726-T-C.
Identifiers: ClinVar variation 3044381 (VCV003044381.2), dbSNP rs201008080, ClinGen allele CA4813760.
Genomic context (GRCh38, chr8:94,865,498, plus strand): 5'-TTGATAATAGAACTAATGTGCACGACATTACAGATTATCTTTTGTGTATTTTGTTTTTCA[T>C]GTTATAGCTTGGACAGCTTTTAGCAGCTACATGCAAAGAACTTCCAGGCCCTAAAGAAAG-3'